The following is an entry in ClinVar:

NM_001375808.2(LPIN2):c.1268+6G>A

Gene: LPIN2 (lipin 2; minus strand). Cytogenetic location: 18p11.31.
Variant type: single nucleotide variant.
Coding change: c.1268+6G>A on transcript NM_001375808.2 (MANE Select); 6 bases into the intron after coding-DNA position 1268, G replaced by A.
Molecular consequence: intron variant.
Genome position (GRCh38, 1-based): chr18:2,934,345, C>T on the plus strand (G>A on the coding strand, the complement: LPIN2 is on the minus strand). VCF-style: chr18-2934345-C-T. GRCh37 (hg19) VCF-style: chr18-2934343-C-T.
Other names: c.1268+6G>A (NM_014646.2, NM_001375809.1).
Identifiers: ClinVar variation 2177061 (VCV002177061.2), dbSNP rs747793611, ClinGen allele CA8873160.

ClinVar aggregate classification (germline): Conflicting classifications of pathogenicity. Review status: criteria provided, conflicting classifications (1 of 4 stars). 2 submissions from 2 submitters: Uncertain significance (1); Likely benign (1). Last evaluated 2022-06-29.

Conditions:
Majeed syndrome (MJDS). Also called: LPIN2-Related Majeed Syndrome; CHRONIC RECURRENT MULTIFOCAL OSTEOMYELITIS 1, WITH CONGENITAL DYSERYTHROPOIETIC ANEMIA, WITH OR WITHOUT NEUTROPHILIC DERMATOSIS. Identifiers: Orphanet 77297, MedGen C1864997, MONDO:0012316, OMIM 609628.

Allele frequency attached by ClinVar (database versions not stated): gnomAD exomes 0.00001; ExAC 0.00004.
gnomAD v4.1: 17 of 1,592,540 alleles (0.0011%); highest among the groups gnomAD compares: South Asian, 0.017%; no homozygotes.

Submissions (2):

Labcorp Genetics (formerly Invitae), Labcorp
Classification: Uncertain significance for Majeed syndrome. Last evaluated: 2022-06-29. Review status: criteria provided, single submitter. Criteria: Invitae Variant Classification Sherloc (09022015). Collection method: clinical testing. Allele origin: germline.
Comment: This sequence change falls in intron 8 of the LPIN2 gene. It does not directly change the encoded amino acid sequence of the LPIN2 protein. It affects a nucleotide within the consensus splice site. This variant is present in population databases (rs747793611, gnomAD 0.02%). This variant has not been reported in the literature in individuals affected with LPIN2-related conditions. Variants that disrupt the consensus splice site are a relatively common cause of aberrant splicing (PMID: 17576681, 9536098). Algorithms developed to predict the effect of sequence changes on RNA splicing suggest that this variant is not likely to affect RNA splicing. In summary, the available evidence is currently insufficient to determine the role of this variant in disease. Therefore, it has been classified as a Variant of Uncertain Significance.

Blueprint Genetics
Classification: Likely benign. Last evaluated: 2021-07-30. Review status: criteria provided, single submitter. Criteria: ACMG Guidelines, 2015. Collection method: clinical testing. Allele origin: germline.

Literature cited by the submitters: PubMed 17576681 (cited by Labcorp Genetics (formerly Invitae), Labcorp); PubMed 9536098 (cited by Labcorp Genetics (formerly Invitae), Labcorp).